The following is an entry in ClinVar:

ClinVar aggregate classification (germline): Uncertain significance (1 of 4 stars; one submission).

Conditions:
Cardiovascular phenotype. Identifiers: MedGen CN230736.

Submission:

Ambry Genetics
Classification: Uncertain significance for Cardiovascular phenotype. Last evaluated: 2024-11-03. Review status: criteria provided, single submitter. Criteria: Ambry Variant Classification Scheme 2023. Collection method: clinical testing. Allele origin: germline.
Comment: The p.Q716R variant (also known as c.2147A>G), located in coding exon 13 of the EPHB4 gene, results from an A to G substitution at nucleotide position 2147. The glutamine at codon 716 is replaced by arginine, an amino acid with highly similar properties. This amino acid position is conserved. In addition, this alteration is predicted to be deleterious by in silico analysis. Based on the available evidence, the clinical significance of this variant remains unclear.

NM_004444.5(EPHB4):c.2147A>G (p.Gln716Arg)

Gene: EPHB4 (EPH receptor B4; minus strand). Cytogenetic location: 7q22.1.
Variant type: single nucleotide variant.
Coding change: c.2147A>G on transcript NM_004444.5 (MANE Select); coding-DNA position 2147, A replaced by G.
Protein change: p.Gln716Arg; replaces glutamine 716 with arginine.
Molecular consequence: missense variant.
Genome position (GRCh38, 1-based): chr7:100,807,552, T>C on the plus strand (A>G on the coding strand, the complement: EPHB4 is on the minus strand). VCF-style: chr7-100807552-T-C. GRCh37 (hg19) VCF-style: chr7-100405174-T-C.
Other names: short protein forms Q716R.
Identifiers: ClinVar variation 3509414 (VCV003509414.1).
Genomic context (GRCh38, chr7:100,807,552, plus strand): 5'-TAGCTCATCTCGGCAAGGTACCGCATGCCCGAGGCGATGCCCCGCAGCATGCCCACGAGC[T>C]GGATGACTGTGAACTGTCCGTCGTTTAGCTGGAGAGCAGATAGGGTGGGGGCTTGGTGAG-3'
Protein context (NP_004435.3, residues 706-726): RLNDGQFTVI[Gln716Arg]LVGMLRGIAS